The following is an entry in ClinVar:

ClinVar aggregate classification (germline): Pathogenic (1 of 4 stars; one submission).

Conditions:
Hereditary cancer-predisposing syndrome. Also called: Neoplastic Syndromes, Hereditary; Tumor predisposition; Hereditary neoplastic syndrome; Hereditary Cancer Syndrome. Identifiers: Orphanet 140162, MedGen C0027672, MeSH D009386, MONDO:0015356.

Submission:

Ambry Genetics
Classification: Pathogenic for Hereditary cancer-predisposing syndrome. Last evaluated: 2023-11-14. Review status: criteria provided, single submitter. Criteria: Ambry Variant Classification Scheme 2023. Collection method: clinical testing. Allele origin: germline.
Comment: The c.3864delA pathogenic mutation, located in coding exon 9 of the MSH6 gene, results from a deletion of one nucleotide at nucleotide position 3864, causing a translational frameshift with a predicted alternate stop codon (p.K1288Nfs*39). This alteration occurs at the 3' terminus of theMSH6 gene and is not expected to trigger nonsense-mediated mRNA decay. However, premature stop codons are typically deleterious in nature, the impacted region is critical for protein function, and a significant portion of the protein is affected (Ambry internal data). This variant is considered to be rare based on population cohorts in the Genome Aggregation Database (gnomAD). Based on the supporting evidence, this alteration is interpreted as a disease-causing mutation.

NM_000179.3(MSH6):c.3864del (p.Lys1288fs)

Gene: MSH6 (mutS homolog 6; plus strand). Cytogenetic location: 2p16.3.
Variant type: Deletion.
Coding change: c.3864del on transcript NM_000179.3 (MANE Select); coding-DNA position 3864, one base deleted (A; older notation c.3864delA).
Protein change: p.Lys1288fs; shifts the reading frame from lysine 1288.
Molecular consequence: frameshift variant. On other transcripts: non-coding transcript variant (5), intron variant (1).
Genome position (GRCh38, 1-based): chr2:47,806,514, A deleted; the last of 3 consecutive A bases (chr2:47,806,512-47,806,514); deleting any one gives the same sequence. VCF-style (leftmost placement, unchanged base first): chr2-47806511-TA-T. GRCh37 (hg19) VCF-style: chr2-48033650-TA-T.
Other names: c.3474del, p.Lys1158fs (NM_001281492.2); c.2958del, p.Lys986fs (NM_001281493.2, NM_001281494.2, NM_001406811.1 and 6 more transcripts); c.3960del, p.Lys1320fs (NM_001406795.1); c.3864del, p.Lys1288fs (NM_001406796.1, NM_001406808.1, NM_001406809.1); c.3567del, p.Lys1189fs (NM_001406797.1, NM_001406801.1, NM_001406805.1 and 10 more transcripts); c.3690del, p.Lys1230fs (NM_001406798.1); c.3339del, p.Lys1113fs (NM_001406799.1, NM_001406806.1, NM_001406807.1); c.3851del, p.Asn1284fs (NM_001406800.1); and 9 more; short protein forms K1000fs, K1113fs, K1158fs, K1189fs, K1230fs, K1232fs, K1262fs, K1288fs.
Identifiers: ClinVar variation 3230566 (VCV003230566.1), dbSNP rs878853739, ClinGen allele CA2825001135.